The following is an entry in ClinVar:

ClinVar aggregate classification (germline): Likely benign (1 of 4 stars; one submission).

Allele frequency attached by ClinVar (database versions not stated): ExAC 0.00001.

Submission:

Women's Health and Genetics/Laboratory Corporation of America, LabCorp
Classification: Likely benign. Last evaluated: 2023-08-18. Review status: criteria provided, single submitter. Criteria: LabCorp Variant Classification Summary - May 2015. Collection method: clinical testing. Allele origin: germline.
Comment: Variant summary: CDC2L6 (aka. CDK19) c.129-19T>C alters a non-conserved nucleotide located at a position not widely known to affect splicing. 4/4 computational tools predict no significant impact on normal splicing. However, these predictions have yet to be confirmed by functional studies. The variant allele was found at a frequency of 4.5e-06 in 224008 control chromosomes (gnomAD). The available data on variant occurrences in the general population are insufficient to allow any conclusion about variant significance. To our knowledge, no occurrence of c.129-19T>C in individuals affected with Developmental And Epileptic Encephalopathy, 87 and no experimental evidence demonstrating its impact on protein function have been reported. No submitters have cited clinical-significance assessments for this variant to ClinVar after 2014. Based on the evidence outlined above, the variant was classified as likely benign.

NM_015076.5(CDK19):c.129-19T>C

Gene: CDK19 (cyclin dependent kinase 19; minus strand). Cytogenetic location: 6q21.
Variant type: single nucleotide variant.
Coding change: c.129-19T>C on transcript NM_015076.5 (MANE Select); 19 bases into the intron before coding-DNA position 129, T replaced by C.
Molecular consequence: intron variant.
Genome position (GRCh38, 1-based): chr6:110,746,220, A>G on the plus strand (T>C on the coding strand, the complement: CDK19 is on the minus strand). VCF-style: chr6-110746220-A-G. GRCh37 (hg19) VCF-style: chr6-111067423-A-G.
Other names: c.-52-19T>C (NM_001300964.2, NM_001300963.2); c.129-19T>C (NM_001300960.2).
Identifiers: ClinVar variation 2627367 (VCV002627367.1), dbSNP rs767292260, ClinGen allele CA3959174.